The following is an entry in ClinVar:

ClinVar aggregate classification (germline): Uncertain significance (1 of 4 stars; one submission).

Allele frequency attached by ClinVar (database versions not stated): TOPMed below 0.00001; gnomAD exomes 0.00001.

Submission:

Labcorp Genetics (formerly Invitae), Labcorp
Classification: Uncertain significance. Last evaluated: 2022-04-07. Review status: criteria provided, single submitter. Criteria: Invitae Variant Classification Sherloc (09022015). Collection method: clinical testing. Allele origin: germline.
Comment: The COL18A1 gene has multiple clinically relevant transcripts. This variant occurs in alternate transcript NM_030582.3, and corresponds to NM_130445.2:c.107-12407C>T in the primary transcript. This sequence change replaces alanine, which is neutral and non-polar, with valine, which is neutral and non-polar, at codon 102 of the COL18A1 protein (p.Ala102Val). This variant is present in population databases (no rsID available, gnomAD 0.006%). This variant has not been reported in the literature in individuals affected with COL18A1-related conditions. Experimental studies and prediction algorithms are not available or were not evaluated, and the functional significance of this variant is currently unknown. In summary, the available evidence is currently insufficient to determine the role of this variant in disease. Therefore, it has been classified as a Variant of Uncertain Significance.

NM_001379500.1(COL18A1):c.107-12407C>T

Gene: COL18A1 (collagen type XVIII alpha 1 chain; plus strand). Cytogenetic location: 21q22.3.
Variant type: single nucleotide variant.
Coding change: c.107-12407C>T on transcript NM_001379500.1 (MANE Select); 12407 bases into the intron before coding-DNA position 107, C replaced by T.
Molecular consequence: intron variant. On other transcripts: missense variant (2).
Genome position (GRCh38, 1-based): chr21:45,455,835, C>T. VCF-style: chr21-45455835-C-T. GRCh37 (hg19) VCF-style: chr21-46875749-C-T.
Other names: c.305C>T, p.Ala102Val (NM_030582.4, NM_130444.3); short protein forms A102V.
Identifiers: ClinVar variation 2417194 (VCV002417194.3), dbSNP rs1216249534, ClinGen allele CA410505558.